The following is an entry in ClinVar:

NM_000179.3(MSH6):c.1666T>C (p.Tyr556His)

Gene: MSH6 (mutS homolog 6; plus strand). Cytogenetic location: 2p16.3.
Variant type: single nucleotide variant.
Coding change: c.1666T>C on transcript NM_000179.3 (MANE Select); coding-DNA position 1666, T replaced by C.
Protein change: p.Tyr556His; replaces tyrosine 556 with histidine.
Molecular consequence: missense variant.
Genome position (GRCh38, 1-based): chr2:47,799,649, T>C. VCF-style: chr2-47799649-T-C. GRCh37 (hg19) VCF-style: chr2-48026788-T-C.
Other names: c.1276T>C, p.Tyr426His (NM_001281492.2); c.760T>C, p.Tyr254His (NM_001281493.2, NM_001281494.2); short protein forms Y556H, Y254H, Y426H.
Identifiers: ClinVar variation 410424 (VCV000410424.19), dbSNP rs1060502895, ClinGen allele CA16610908.

ClinVar aggregate classification (germline): Uncertain significance. Review status: criteria provided, multiple submitters, no conflicts (2 of 4 stars). 4 submissions from 4 submitters: Uncertain significance (4). Last evaluated 2025-12-10.

Conditions:
Hereditary nonpolyposis colorectal neoplasms. Identifiers: MedGen C0009405, MeSH D003123.
Lynch syndrome 5 (LYNCH5). Also called: Hereditary non-polyposis colorectal cancer, type 5; Colorectal cancer, hereditary nonpolyposis, type 5. Identifiers: Orphanet 144, MedGen C1833477, MONDO:0013710, OMIM 614350. Disease mechanism: loss of function.
Hereditary cancer-predisposing syndrome. Also called: Tumor predisposition; Hereditary Cancer Syndrome; Hereditary neoplastic syndrome; Neoplastic Syndromes, Hereditary. Identifiers: Orphanet 140162, MedGen C0027672, MeSH D009386, MONDO:0015356.

Submissions (4):

Ambry Genetics
Classification: Uncertain significance for Hereditary cancer-predisposing syndrome. Last evaluated: 2025-12-10. Review status: criteria provided, single submitter. Criteria: Ambry Variant Classification Scheme 2023. Collection method: clinical testing. Allele origin: germline.
Comment: The p.Y556H variant (also known as c.1666T>C), located in coding exon 4 of the MSH6 gene, results from a T to C substitution at nucleotide position 1666. The tyrosine at codon 556 is replaced by histidine, an amino acid with similar properties. This variant was detected in 1/593 CRC patients and 0/48 healthy controls (Berginc G et al. Fam. Cancer, 2009 Jun;8:421-9). In another study, this alteration was classified as not pathogenic by multifactorial analysis, which integrates the following lines of evidence to produce a quantitative likelihood of pathogenicity: in silico prediction models, segregation with disease, tumor characteristics, mutation co-occurrence, and functional assay results (Thompson BA et al. Hum. Mutat., 2013 Jan;34:200-9). This amino acid position is highly conserved in available vertebrate species. In addition, this alteration has also been predicted to be deleterious by in silico analysis. Since supporting evidence is limited at this time, the clinical significance of this alteration remains unclear.

St. Jude Molecular Pathology, St. Jude Children's Research Hospital
Classification: Uncertain significance for Lynch syndrome 5. Last evaluated: 2023-06-28. Review status: criteria provided, single submitter. Criteria: St. Jude Assertion Criteria 2020. Collection method: clinical testing. Allele origin: germline.
Comment: The MSH6 c.1666T>C (p.Tyr556His) missense change is absent in gnomAD v2.1.1. The in silico tool REVEL predicts a deleterious effect of this variant on protein function, but to our knowledge functional studies have not been performed. To our knowledge, this variant has not been reported in individuals with Lynch syndrome or constitutional mismatch repair deficiency. In summary, the evidence currently available is insufficient to determine the clinical significance of this variant. It has therefore been classified as of uncertain significance.

Labcorp Genetics (formerly Invitae), Labcorp
Classification: Uncertain significance for Hereditary nonpolyposis colorectal neoplasms. Last evaluated: 2020-12-07. Review status: criteria provided, single submitter. Criteria: Invitae Variant Classification Sherloc (09022015). Collection method: clinical testing. Allele origin: germline.
Comment: In summary, the available evidence is currently insufficient to determine the role of this variant in disease. Therefore, it has been classified as a Variant of Uncertain Significance. Algorithms developed to predict the effect of missense changes on protein structure and function (SIFT, PolyPhen-2, Align-GVGD) all suggest that this variant is likely to be disruptive, but these predictions have not been confirmed by published functional studies and their clinical significance is uncertain. This variant has not been reported in the literature in individuals with MSH6-related disease. ClinVar contains an entry for this variant (Variation ID: 410424). This variant is not present in population databases (ExAC no frequency). This sequence change replaces tyrosine with histidine at codon 556 of the MSH6 protein (p.Tyr556His). The tyrosine residue is highly conserved and there is a moderate physicochemical difference between tyrosine and histidine.

Color Diagnostics, LLC DBA Color Health
Classification: Uncertain significance for Hereditary cancer-predisposing syndrome. Last evaluated: 2020-01-17. Review status: criteria provided, single submitter. Criteria: ACMG Guidelines, 2015. Collection method: clinical testing. Allele origin: germline.
Comment: This missense variant replaces tyrosine with histidine at codon 556 of the MSH6 protein. Computational prediction tool suggests that this variant may have deleterious impact on protein structure and function (internally defined REVEL score threshold ≥0.7, PMID: 27666373). Splice site prediction tools suggest that this variant may not impact RNA splicing. To our knowledge, functional studies have not been performed for this variant. This variant has not been reported in individuals affected with hereditary cancer in the literature. This variant has not been identified in the general population by the Genome Aggregation Database (gnomAD). The available evidence is insufficient to determine the role of this variant in disease conclusively. Therefore, this variant is classified as a Variant of Uncertain Significance.

Literature cited by the submitters: PubMed 19526325 (cited by Ambry Genetics); PubMed 22949379 (cited by Ambry Genetics).